The following is an entry in ClinVar:

ClinVar aggregate classification (germline): Likely benign (1 of 4 stars; one submission).

Conditions:
Breast-ovarian cancer, familial, susceptibility to, 2 (BROVCA2). Also called: BRCA2 Hereditary Breast and Ovarian Cancer. Identifiers: Orphanet 145, MedGen C2675520, MONDO:0012933, OMIM 612555. Disease mechanism: loss of function.

gnomAD v4.1: 1 of 1,613,994 alleles (0.000062%); highest among the groups gnomAD compares: South Asian, 0.0011%; no homozygotes.

Submission:

Cancer Bioinformatics and Tumour Evolution Laboratory, Monash University
Classification: Likely benign for Breast-ovarian cancer, familial, susceptibility to, 2. Last evaluated: 2026-05-01. Review status: criteria provided, single submitter. Criteria: ClinGen BRCA1 and BRCA2 Guidelines, 2024. Collection method: curation. Allele origin: germline. Inheritance: Autosomal dominant inheritance.
Comment: Missense variant outside of a functional domain with no splice impact. BRCA1 and BRCA2 VCEP guidelines recommend application of BP1_Strong (PMID: 39142283)

NM_000059.4(BRCA2):c.5892G>T (p.Lys1964Asn)

Gene: BRCA2 (BRCA2 DNA repair associated; plus strand). Cytogenetic location: 13q13.1.
Variant type: single nucleotide variant.
Coding change: c.5892G>T on transcript NM_000059.4 (MANE Select); coding-DNA position 5892, G replaced by T.
Protein change: p.Lys1964Asn; replaces lysine 1964 with asparagine.
Molecular consequence: missense variant. On other transcripts: non-coding transcript variant (1), intron variant (2).
Genome position (GRCh38, 1-based): chr13:32,340,247, G>T. VCF-style: chr13-32340247-G-T. GRCh37 (hg19) VCF-style: chr13-32914384-G-T.
Other names: c.5892G>T, p.Lys1964Asn (NM_001406719.1, NM_001406720.1, NM_001432077.1); c.1910-4311G>T (NM_001406721.1); c.425-4311G>T (NM_001406722.1); short protein forms K1964N.
Identifiers: ClinVar variation 4856469 (VCV004856469.1).